The following is an entry in ClinVar:

NM_002439.5(MSH3):c.2330T>G (p.Val777Gly)

Gene: MSH3 (mutS homolog 3; plus strand). Cytogenetic location: 5q14.1.
Variant type: single nucleotide variant.
Coding change: c.2330T>G on transcript NM_002439.5 (MANE Select); coding-DNA position 2330, T replaced by G.
Protein change: p.Val777Gly; replaces valine 777 with glycine.
Molecular consequence: missense variant.
Genome position (GRCh38, 1-based): chr5:80,778,731, T>G. VCF-style: chr5-80778731-T-G. GRCh37 (hg19) VCF-style: chr5-80074550-T-G.
Other names: short protein forms V777G.
Identifiers: ClinVar variation 3728463 (VCV003728463.2).

ClinVar aggregate classification (germline): Uncertain significance (1 of 4 stars; one submission).

Submission:

Labcorp Genetics (formerly Invitae), Labcorp
Classification: Uncertain significance. Last evaluated: 2025-01-02. Review status: criteria provided, single submitter. Criteria: Invitae Variant Classification Sherloc (09022015). Collection method: clinical testing. Allele origin: germline.
Comment: This sequence change replaces valine, which is neutral and non-polar, with glycine, which is neutral and non-polar, at codon 777 of the MSH3 protein (p.Val777Gly). This variant is not present in population databases (gnomAD no frequency). This variant has not been reported in the literature in individuals affected with MSH3-related conditions. An algorithm developed to predict the effect of missense changes on protein structure and function (PolyPhen-2) suggests that this variant is likely to be disruptive. In summary, the available evidence is currently insufficient to determine the role of this variant in disease. Therefore, it has been classified as a Variant of Uncertain Significance.